The following is an entry in ClinVar:

NM_003001.5(SDHC):c.32G>A (p.Arg11His)

Gene: SDHC (succinate dehydrogenase complex subunit C; plus strand). Cytogenetic location: 1q23.3.
Variant type: single nucleotide variant.
Coding change: c.32G>A on transcript NM_003001.5 (MANE Select); coding-DNA position 32, G replaced by A.
Protein change: p.Arg11His; replaces arginine 11 with histidine.
Molecular consequence: missense variant. On other transcripts: 5 prime UTR variant (2), non-coding transcript variant (1), intron variant (4).
Genome position (GRCh38, 1-based): chr1:161,323,625, G>A. VCF-style: chr1-161323625-G-A. GRCh37 (hg19) VCF-style: chr1-161293415-G-A.
Other names: c.32G>A, p.Arg11His (NM_001035511.3, NM_001035512.3, NM_001278172.3 and 2 more transcripts); c.-80G>A (NM_001407119.1); c.-198G>A (NM_001407120.1); c.21-4771G>A (NM_001407116.1, NM_001407121.1, NM_001407117.1); c.20+9200G>A (NM_001035513.3); short protein forms R11H.
Identifiers: ClinVar variation 239454 (VCV000239454.15), dbSNP rs767802663, ClinGen allele CA047588.

ClinVar aggregate classification (germline): Uncertain significance. Review status: criteria provided, multiple submitters, no conflicts (2 of 4 stars). 5 submissions from 5 submitters: Uncertain significance (5). Last evaluated 2025-11-25.

Conditions:
Hereditary cancer-predisposing syndrome. Also called: Neoplastic Syndromes, Hereditary; Hereditary neoplastic syndrome; Hereditary Cancer Syndrome; Tumor predisposition. Identifiers: Orphanet 140162, MedGen C0027672, MeSH D009386, MONDO:0015356.
Gastrointestinal stromal tumor. Also called: Gastrointestinal stromal tumor, somatic; Gastrointestinal stroma tumor. Identifiers: Orphanet 44890, MedGen C0238198, MeSH D046152, MONDO:0011719, OMIM 606764, HP:0100723.
Pheochromocytoma/paraganglioma syndrome 3. Also called: Paragangliomas 3; SDHC-Related Hereditary Paraganglioma-Pheochromocytoma Syndrome (Paragangliomas 3); SDHC-Related Hereditary Paraganglioma-Pheochromocytoma Syndrome; GLOMUS TUMORS, FAMILIAL, 3. Identifiers: Orphanet 29072, MedGen C1854336, MONDO:0011544, OMIM 605373.

gnomAD v4.1: 10 of 1,613,266 alleles (0.00062%); highest among the groups gnomAD compares: Admixed American, 0.0033%; no homozygotes.

Submissions (5):

Labcorp Genetics (formerly Invitae), Labcorp
Classification: Uncertain significance for Pheochromocytoma/paraganglioma syndrome 3; Gastrointestinal stromal tumor. Last evaluated: 2025-11-25. Review status: criteria provided, single submitter. Criteria: Invitae Variant Classification Sherloc (09022015). Collection method: clinical testing. Allele origin: germline.
Comment: This sequence change replaces arginine, which is basic and polar, with histidine, which is basic and polar, at codon 11 of the SDHC protein (p.Arg11His). This variant is present in population databases (rs767802663, gnomAD 0.003%). This missense change has been observed in individual(s) with a personal and family history of breast and/or ovarian cancer (PMID: 28202063). ClinVar contains an entry for this variant (Variation ID: 239454). An algorithm developed to predict the effect of missense changes on protein structure and function outputs the following: PolyPhen-2: "Benign". The histidine amino acid residue is found in multiple mammalian species, which suggests that this missense change does not adversely affect protein function. In summary, the available evidence is currently insufficient to determine the role of this variant in disease. Therefore, it has been classified as a Variant of Uncertain Significance.

Ambry Genetics
Classification: Uncertain significance for Hereditary cancer-predisposing syndrome. Last evaluated: 2024-03-28. Review status: criteria provided, single submitter. Criteria: Ambry Variant Classification Scheme 2023. Collection method: clinical testing. Allele origin: germline.
Comment: The p.R11H variant (also known as c.32G>A), located in coding exon 2 of the SDHC gene, results from a G to A substitution at nucleotide position 32. The arginine at codon 11 is replaced by histidine, an amino acid with highly similar properties. This amino acid position is well conserved in available vertebrate species. In addition, the in silico prediction for this alteration is inconclusive. Based on the available evidence, the clinical significance of this alteration remains unclear.

GeneDx
Classification: Uncertain significance. Last evaluated: 2024-01-05. Review status: criteria provided, single submitter. Criteria: GeneDx Variant Classification Process June 2021. Collection method: clinical testing. Allele origin: germline. Affected: yes.
Comment: Not observed at significant frequency in large population cohorts (gnomAD); In silico analysis supports that this missense variant has a deleterious effect on protein structure/function; Observed in an individual with a personal and/or family history of breast cancer (PMID: 28202063); This variant is associated with the following publications: (PMID: 28202063)

Baylor Genetics
Classification: Uncertain significance for Gastrointestinal stromal tumor. Last evaluated: 2023-12-05. Review status: criteria provided, single submitter. Criteria: ACMG Guidelines, 2015. Collection method: clinical testing. Allele origin: unknown.

Sema4
Classification: Uncertain significance for Hereditary cancer-predisposing syndrome. Last evaluated: 2021-09-30. Review status: criteria provided, single submitter. Criteria: Sema4 Curation Guidelines. Collection method: curation. Allele origin: germline.
Comment: The SDHC c.32G>A (p.R11H) variant has not been reported in the literature to our knowledge. It was observed in 2/111328 chromosomes of the Non-Finnish European subpopulation in the large and broad cohorts of the Genome Aggregation Database (PMID: 32461654). The variant has been reported in ClinVar (Variation ID: 239454). Functional studies have not been performed, and in silico predictions of the variant's effect on protein function are inconclusive. The evidence is insufficient to meet ACMG/AMP criteria for classifying the variant as benign or pathogenic. Thus, the clinical significance of this variant is currently uncertain.

Literature cited by the submitters: PubMed 28202063 (cited by Labcorp Genetics (formerly Invitae), Labcorp).